The following is an entry in ClinVar:

NM_153252.5(BRWD3):c.2184G>A (p.Ala728=)

Gene: BRWD3 (bromodomain and WD repeat domain containing 3; minus strand). Cytogenetic location: Xq21.1.
Variant type: single nucleotide variant.
Coding change: c.2184G>A on transcript NM_153252.5 (MANE Select); coding-DNA position 2184, G replaced by A.
Protein change: p.Ala728=; no amino-acid change (alanine 728 retained).
Molecular consequence: synonymous variant.
Genome position (GRCh38, 1-based): chrX:80,717,620, C>T on the plus strand (G>A on the coding strand, the complement: BRWD3 is on the minus strand). VCF-style: chrX-80717620-C-T. GRCh37 (hg19) VCF-style: chrX-79973119-C-T.
Identifiers: ClinVar variation 368727 (VCV000368727.52), dbSNP rs369118921, ClinGen allele CA10462084.

ClinVar aggregate classification (germline): Benign/Likely benign. Review status: criteria provided, multiple submitters, no conflicts (2 of 4 stars). 7 submissions from 7 submitters: Benign (2); Likely benign (5). Last evaluated 2025-10-31.

Conditions:
Inborn genetic diseases. Identifiers: MedGen C0950123, MeSH D030342.
BRWD3-related disorder. Also called: BRWD3-related condition.
Intellectual developmental disorder, X-linked 93. Also called: MENTAL RETARDATION, X-LINKED, WITH MACROCEPHALY; Intellectual disability, X-linked 93. Identifiers: MedGen C1970841, MONDO:0010393, OMIM 300659.

Allele frequency attached by ClinVar (database versions not stated): gnomAD exomes 0.00019; gnomAD 0.00026; ExAC 0.00015; TOPMed 0.00018; ESP Exome Variant Server 0.00028.
gnomAD v4.1: 381 of 1,209,891 alleles (0.031%); highest among the groups gnomAD compares: South Asian, 0.074%; 2 homozygotes.

Submissions (7):

PreventionGenetics, part of Exact Sciences
Classification: Likely benign for BRWD3-related condition. Last evaluated: 2025-10-31. Review status: criteria provided, single submitter. Criteria: ACMG Guidelines, 2015. Collection method: clinical testing. Allele origin: germline.
Comment: This variant is classified as likely benign based on ACMG/AMP sequence variant interpretation guidelines (Richards et al. 2015 PMID: 25741868, with internal and published modifications).

Labcorp Genetics (formerly Invitae), Labcorp
Classification: Benign. Last evaluated: 2025-07-02. Review status: criteria provided, single submitter. Criteria: Invitae Variant Classification Sherloc (09022015). Collection method: clinical testing. Allele origin: germline.

Blueprint Genetics
Classification: Likely benign. Last evaluated: 2024-10-18. Review status: criteria provided, single submitter. Criteria: ACMG Guidelines, 2015. Collection method: clinical testing. Allele origin: germline.

CeGaT Center for Human Genetics Tuebingen
Classification: Likely benign. Last evaluated: 2023-12-01. Review status: criteria provided, single submitter. Criteria: CeGaT Center For Human Genetics Tuebingen Variant Classification Criteria Version 2. Collection method: clinical testing. Allele origin: germline. Affected: yes. Observed: 2 variant alleles.
Comment: BRWD3: BP4, BP7, BS2

Ambry Genetics
Classification: Likely benign for Inborn genetic diseases. Last evaluated: 2020-02-04. Review status: criteria provided, single submitter. Criteria: Ambry Variant Classification Scheme 2023. Collection method: clinical testing. Allele origin: germline.

Illumina Laboratory Services, Illumina
Classification: Benign for Intellectual developmental disorder, X-linked 93. Last evaluated: 2018-01-13. Review status: criteria provided, single submitter. Criteria: ICSL Variant Classification Criteria 13 December 2019. Collection method: clinical testing. Allele origin: germline.
Comment: This variant was observed in the ICSL laboratory as part of a predisposition screen in an ostensibly healthy population. It had not been previously curated by ICSL or reported in the Human Gene Mutation Database (HGMD: prior to June 1st, 2018), and was therefore a candidate for classification through an automated scoring system. Utilizing variant allele frequency, disease prevalence and penetrance estimates, and inheritance mode, an automated score was calculated to assess if this variant is too frequent to cause the disease. Based on the score and internal cut-off values, a variant classified as benign is not then subjected to further curation. The score for this variant resulted in a classification of benign for this disease.

Genetic Services Laboratory, University of Chicago
Classification: Likely benign. Last evaluated: 2016-01-29. Review status: criteria provided, single submitter. Criteria: ACMG Guidelines, 2015. Collection method: clinical testing. Allele origin: germline. Affected: no.